The following is an entry in ClinVar:

NM_018979.4(WNK1):c.2652G>A (p.Ala884=)

Gene: WNK1 (WNK lysine deficient protein kinase 1; plus strand). Cytogenetic location: 12p13.33.
Variant type: single nucleotide variant.
Coding change: c.2652G>A on transcript NM_018979.4 (MANE Select); coding-DNA position 2652, G replaced by A.
Protein change: p.Ala884=; no amino-acid change (alanine 884 retained).
Molecular consequence: synonymous variant. On other transcripts: intron variant (3).
Genome position (GRCh38, 1-based): chr12:879,851, G>A. VCF-style: chr12-879851-G-A. GRCh37 (hg19) VCF-style: chr12-989017-G-A.
Other names: c.3867+1490G>A (NM_213655.5); c.3613-870G>A (NM_001184985.2); c.2370+1490G>A (NM_014823.3).
Identifiers: ClinVar variation 310752 (VCV000310752.41), dbSNP rs142528714, ClinGen allele CA6382530.

ClinVar aggregate classification (germline): Likely benign. Review status: criteria provided, multiple submitters, no conflicts (2 of 4 stars). 4 submissions from 4 submitters: Likely benign (4). Last evaluated 2025-02-18.

Conditions:
Neuropathy, hereditary sensory and autonomic, type 2A (HSAN2A). Also called: MORVAN DISEASE; NEUROPATHY, CONGENITAL SENSORY; NEUROPATHY, HEREDITARY SENSORY RADICULAR, AUTOSOMAL RECESSIVE; NEUROPATHY, HEREDITARY SENSORY, TYPE IIA; NEUROPATHY, PROGRESSIVE SENSORY, OF CHILDREN; ACROOSTEOLYSIS, GIACCAI TYPE. Identifiers: Orphanet 970, MedGen C2752089, MONDO:0024309, OMIM 201300.
Pseudohypoaldosteronism type 2C (PHA2C). Also called: Pseudohypoaldosteronism Type IIC. Identifiers: Orphanet 757, Orphanet 88940, MedGen C1840391, MONDO:0013778, OMIM 614492.
WNK1-related disorder. Also called: WNK1-related condition.

Allele frequency attached by ClinVar (database versions not stated): gnomAD 0.00006; gnomAD exomes 0.00007 and 0.00009; TOPMed 0.00007; ExAC 0.00008; ESP Exome Variant Server 0.00008.
gnomAD v4.1: 105 of 1,613,910 alleles (0.0065%); highest among the groups gnomAD compares: Middle Eastern, 0.033%; no homozygotes.

Submissions (4):

PreventionGenetics, part of Exact Sciences
Classification: Likely benign for WNK1-related condition. Last evaluated: 2025-02-18. Review status: criteria provided, single submitter. Criteria: ACMG Guidelines, 2015. Collection method: clinical testing. Allele origin: germline.
Comment: This variant is classified as likely benign based on ACMG/AMP sequence variant interpretation guidelines (Richards et al. 2015 PMID: 25741868, with internal and published modifications).

Blueprint Genetics
Classification: Likely benign. Last evaluated: 2024-01-19. Review status: criteria provided, single submitter. Criteria: ACMG Guidelines, 2015. Collection method: clinical testing. Allele origin: germline.

CeGaT Center for Human Genetics Tuebingen
Classification: Likely benign. Last evaluated: 2022-09-01. Review status: criteria provided, single submitter. Criteria: CeGaT Center For Human Genetics Tuebingen Variant Classification Criteria Version 2. Collection method: clinical testing. Allele origin: germline. Affected: yes. Observed: 1 variant allele.
Comment: WNK1: BP4, BP7

Labcorp Genetics (formerly Invitae), Labcorp
Classification: Likely benign for Neuropathy, hereditary sensory and autonomic, type 2A; Pseudohypoaldosteronism type 2C. Last evaluated: 2019-05-29. Review status: criteria provided, single submitter. Criteria: Invitae Variant Classification Sherloc (09022015). Collection method: clinical testing. Allele origin: germline.